The following is an entry in ClinVar:

ClinVar aggregate classification (germline): Uncertain significance (1 of 4 stars; one submission).

Conditions:
Inborn genetic diseases. Identifiers: MedGen C0950123, MeSH D030342.

gnomAD v4.1: 1 of 1,614,120 alleles (0.000062%); highest among the groups gnomAD compares: Non-Finnish European, 0.000085%; no homozygotes.

Submission:

Ambry Genetics
Classification: Uncertain significance for Inborn genetic diseases. Last evaluated: 2026-02-21. Review status: criteria provided, single submitter. Criteria: Ambry Variant Classification Scheme 2023. Collection method: clinical testing. Allele origin: germline.
Comment: The p.H1524Y variant (also known as c.4570C>T), located in coding exon 13 of the ASXL1 gene, results from a C to T substitution at nucleotide position 4570. The histidine at codon 1524 is replaced by tyrosine, an amino acid with similar properties. This amino acid position is conserved. In addition, this alteration is predicted to be deleterious by in silico analysis. Based on the available evidence, the clinical significance of this variant remains unclear.

NM_015338.6(ASXL1):c.4570C>T (p.His1524Tyr)

Gene: ASXL1 (ASXL transcriptional regulator 1; plus strand). Cytogenetic location: 20q11.21.
Variant type: single nucleotide variant.
Coding change: c.4570C>T on transcript NM_015338.6 (MANE Select); coding-DNA position 4570, C replaced by T.
Protein change: p.His1524Tyr; replaces histidine 1524 with tyrosine.
Molecular consequence: missense variant.
Genome position (GRCh38, 1-based): chr20:32,437,282, C>T. VCF-style: chr20-32437282-C-T. GRCh37 (hg19) VCF-style: chr20-31025085-C-T.
Other names: c.4387C>T, p.His1463Tyr (NM_001363734.1); short protein forms H1463Y, H1524Y.
Identifiers: ClinVar variation 4825244 (VCV004825244.1).